The following is an entry in ClinVar:

ClinVar aggregate classification (germline): Pathogenic (1 of 4 stars; one submission).

Conditions:
Hyperphosphatasia with impaired intellectual development syndrome 4. Also called: GLYCOSYLPHOSPHATIDYLINOSITOL BIOSYNTHESIS DEFECT 10; Hyperphosphatasia with intellectual disability syndrome 4. Identifiers: Orphanet 247262, MedGen C3810354, MONDO:0014318, OMIM 615716.

Submission:

3billion
Classification: Pathogenic for Hyperphosphatasia with impaired intellectual development syndrome 4. Last evaluated: 2024-01-06. Review status: criteria provided, single submitter. Criteria: ACMG Guidelines, 2015. Collection method: clinical testing. Allele origin: germline. Affected: yes.
Comment: The variant is not observed in the gnomAD v2.1.1 dataset. Predicted Consequence/Location: Frameshift: predicted to result in a loss or disruption of normal protein function through nonsense-mediated decay (NMD) or protein truncation. Multiple pathogenic variants are reported downstream of the variant. Therefore, this variant is classified as Pathogenic according to the recommendation of ACMG/AMP guideline.

NM_033419.5(PGAP3):c.80dup (p.Val28fs)

Gene: PGAP3 (post-GPI attachment to proteins phospholipase 3; minus strand). Cytogenetic location: 17q12.
Variant type: Duplication.
Coding change: c.80dup on transcript NM_033419.5 (MANE Select); coding-DNA position 80, one base duplicated (C; older notation c.80dupC).
Protein change: p.Val28fs; shifts the reading frame from valine 28.
Molecular consequence: frameshift variant.
Genome position (GRCh38, 1-based): chr17:39,687,935, G duplicated on the plus strand (C on the coding strand, the reverse complement: PGAP3 is on the minus strand); the first of 2 consecutive G bases (chr17:39,687,935-39,687,936); duplicating either gives the same sequence. VCF-style (leftmost placement, unchanged base first): chr17-39687934-C-CG. GRCh37 (hg19) VCF-style: chr17-37844187-C-CG.
Other names: c.80dup, p.Val28fs (NM_001291726.2, NM_001291728.2, NM_001291730.2 and 2 more transcripts); short protein forms V28fs.
Identifiers: ClinVar variation 3775700 (VCV003775700.1).
Genomic context (GRCh38, chr17:39,687,934, plus strand): 5'-ATTCAGAGCGCCCCCAGAGCAGTTCTGCTCTTCGCACTGCAGTACGCAGTCGCGGTACAC[C>CG]GGCTCACGGTCGCCCTGGGAGCCGCTCGCCAGCGCCGCTGCCCCAGCTAGCAGGACCAAC-3'